The following is an entry in ClinVar:

ClinVar aggregate classification (germline): Likely pathogenic (1 of 4 stars; one submission).

Conditions:
Recessive dystrophic epidermolysis bullosa (RDEB). Also called: Hallopeau-Siemens Disease; DYSTROPHIC EPIDERMOLYSIS BULLOSA, AUTOSOMAL RECESSIVE; EPIDERMOLYSIS BULLOSA DYSTROPHICA, HALLOPEAU-SIEMENS TYPE; EPIDERMOLYSIS BULLOSA DYSTROPHICA, GENERALIZED SEVERE, AUTOSOMAL RECESSIVE; epidermolysis bullosa dystrophica, autosomal recessive; Recessive DEB (RDEB). Identifiers: Orphanet 79408, Orphanet 79409, MedGen C0079474, MONDO:0009179, OMIM 226600.
Generalized dominant dystrophic epidermolysis bullosa (DDEB). Also called: DDEB, generalized; DDEB-gen; DYSTROPHIC EPIDERMOLYSIS BULLOSA, AUTOSOMAL DOMINANT; Epidermolysis bullosa dystrophica, autosomal dominant; Dominant DEB (DDEB). Identifiers: Orphanet 231568, MedGen C0432322, MONDO:0007549, OMIM 131750.

Allele frequency attached by ClinVar (database versions not stated): gnomAD exomes below 0.00001; TOPMed below 0.00001; ExAC 0.00001.

Submission:

Laboratorio de Genetica e Diagnostico Molecular, Hospital Israelita Albert Einstein
Classification: Likely pathogenic for Generalized dominant dystrophic epidermolysis bullosa; Recessive dystrophic epidermolysis bullosa. Last evaluated: 2021-10-18. Review status: criteria provided, single submitter. Criteria: ACMG Guidelines, 2015. Collection method: clinical testing. Allele origin: germline. Affected: yes.
Comment: ACMG classification criteria: PVS1 strong, PM2 moderate, PM3 supporting

NM_000094.4(COL7A1):c.5053-2A>G

Gene: COL7A1 (collagen type VII alpha 1 chain; minus strand). Cytogenetic location: 3p21.31.
Variant type: single nucleotide variant.
Coding change: c.5053-2A>G on transcript NM_000094.4 (MANE Select); the canonical splice acceptor site of the intron before coding-DNA position 5053, A replaced by G.
Molecular consequence: splice acceptor variant.
Genome position (GRCh38, 1-based): chr3:48,580,346, T>C on the plus strand (A>G on the coding strand, the complement: COL7A1 is on the minus strand). VCF-style: chr3-48580346-T-C. GRCh37 (hg19) VCF-style: chr3-48617779-T-C.
Identifiers: ClinVar variation 1683676 (VCV001683676.2), dbSNP rs765480571, ClinGen allele CA2379690.
Genomic context (GRCh38, chr3:48,580,346, plus strand): 5'-CCAGCCCTACTCACCGGCTCCCCACGGTCACCCTTGGGTCCAGATGATCCAGGGCTGCCC[T>C]GCAGAAAGGCAGGGGTCAGGGCCACTCAAGGTAGGCAGCAGTTTGGGAGAGCTTTGGAAG-3'